The following is an entry in ClinVar:

NM_015221.4(DNMBP):c.1083C>T (p.Leu361=)

Genes: DNMBP (dynamin binding protein; minus strand), DNMBP-AS1 (DNMBP antisense RNA 1; plus strand). Cytogenetic location: 10q24.2.
Variant type: single nucleotide variant.
Coding change: c.1083C>T on transcript NM_015221.4 (MANE Select); coding-DNA position 1083, C replaced by T.
Protein change: p.Leu361=; no amino-acid change (leucine 361 retained).
Molecular consequence: synonymous variant. On other transcripts: non-coding transcript variant (1).
Genome position (GRCh38, 1-based): chr10:99,956,391, G>A on the plus strand (C>T on the coding strand, the complement: DNMBP is on the minus strand). VCF-style: chr10-99956391-G-A. GRCh37 (hg19) VCF-style: chr10-101716148-G-A.
Other names: c.1083C>T, p.Leu361= (NM_001441287.1, NM_001441288.1).
Identifiers: ClinVar variation 5039149 (VCV005039149.1).

ClinVar aggregate classification (germline): Likely benign (1 of 4 stars; one submission).

gnomAD v4.1: 55 of 1,613,888 alleles (0.0034%); highest among the groups gnomAD compares: African/African-American, 0.064%; no homozygotes.

Submission:

CeGaT Center for Human Genetics Tuebingen
Classification: Likely benign. Last evaluated: 2026-07-01. Review status: criteria provided, single submitter. Criteria: CeGaT Center For Human Genetics Tuebingen Variant Classification Criteria Version 2. Collection method: clinical testing. Allele origin: germline. Affected: yes. Observed: 1 variant allele.
Comment: DNMBP: BP4, BP7